The following is an entry in ClinVar:

ClinVar aggregate classification (germline): Uncertain significance (1 of 4 stars; one submission).

Conditions:
Congenital myasthenic syndrome 5. Identifiers: Orphanet 590, MedGen C1864233, MONDO:0011281, OMIM 603034.

Allele frequency attached by ClinVar (database versions not stated): gnomAD exomes below 0.00001; ExAC 0.00001; gnomAD 0.00001; TOPMed 0.00001.
gnomAD v4.1: 30 of 1,614,000 alleles (0.0019%); highest among the groups gnomAD compares: Middle Eastern, 0.017%; no homozygotes.

Submission:

Labcorp Genetics (formerly Invitae), Labcorp
Classification: Uncertain significance for Congenital myasthenic syndrome 5. Last evaluated: 2022-08-13. Review status: criteria provided, single submitter. Criteria: Invitae Variant Classification Sherloc (09022015). Collection method: clinical testing. Allele origin: germline.
Comment: In summary, the available evidence is currently insufficient to determine the role of this variant in disease. Therefore, it has been classified as a Variant of Uncertain Significance. Algorithms developed to predict the effect of missense changes on protein structure and function are either unavailable or do not agree on the potential impact of this missense change (SIFT: "Tolerated"; PolyPhen-2: "Not Available"; Align-GVGD: "Class C0"). ClinVar contains an entry for this variant (Variation ID: 1511125). This variant has not been reported in the literature in individuals affected with COLQ-related conditions. This variant is present in population databases (rs763518486, gnomAD 0.0009%). This sequence change replaces glycine, which is neutral and non-polar, with valine, which is neutral and non-polar, at codon 305 of the COLQ protein (p.Gly305Val).

NM_005677.4(COLQ):c.914G>T (p.Gly305Val)

Gene: COLQ (collagen like tail subunit of asymmetric acetylcholinesterase; minus strand). Cytogenetic location: 3p25.1.
Variant type: single nucleotide variant.
Coding change: c.914G>T on transcript NM_005677.4 (MANE Select); coding-DNA position 914, G replaced by T.
Protein change: p.Gly305Val; replaces glycine 305 with valine.
Molecular consequence: missense variant.
Genome position (GRCh38, 1-based): chr3:15,458,226, C>A on the plus strand (G>T on the coding strand, the complement: COLQ is on the minus strand). VCF-style: chr3-15458226-C-A. GRCh37 (hg19) VCF-style: chr3-15499733-C-A.
Other names: c.884G>T, p.Gly295Val (NM_080538.2); c.812G>T, p.Gly271Val (NM_080539.4); short protein forms G271V, G295V, G305V.
Identifiers: ClinVar variation 1511125 (VCV001511125.6), dbSNP rs763518486, ClinGen allele CA2275930.